The following is an entry in ClinVar:

NM_024577.4(SH3TC2):c.1661C>T (p.Ala554Val)

Gene: SH3TC2 (SH3 domain and tetratricopeptide repeats 2; minus strand). Cytogenetic location: 5q32.
Variant type: single nucleotide variant.
Coding change: c.1661C>T on transcript NM_024577.4 (MANE Select); coding-DNA position 1661, C replaced by T.
Protein change: p.Ala554Val; replaces alanine 554 with valine.
Molecular consequence: missense variant.
Genome position (GRCh38, 1-based): chr5:149,028,071, G>A on the plus strand (C>T on the coding strand, the complement: SH3TC2 is on the minus strand). VCF-style: chr5-149028071-G-A. GRCh37 (hg19) VCF-style: chr5-148407634-G-A.
Other names: short protein forms A554V.
Identifiers: ClinVar variation 3705318 (VCV003705318.2).

ClinVar aggregate classification (germline): Uncertain significance (1 of 4 stars; one submission).

Conditions:
Charcot-Marie-Tooth disease type 4. Also called: Charcot-Marie-Tooth disease, type IV; Charcot-Marie-Tooth, Type 4. Identifiers: Orphanet 64749, MedGen C4082197, MONDO:0018995.

Submission:

Labcorp Genetics (formerly Invitae), Labcorp
Classification: Uncertain significance for Charcot-Marie-Tooth disease type 4. Last evaluated: 2024-11-11. Review status: criteria provided, single submitter. Criteria: Invitae Variant Classification Sherloc (09022015). Collection method: clinical testing. Allele origin: germline.
Comment: This sequence change replaces alanine, which is neutral and non-polar, with valine, which is neutral and non-polar, at codon 554 of the SH3TC2 protein (p.Ala554Val). This variant is not present in population databases (gnomAD no frequency). This variant has not been reported in the literature in individuals affected with SH3TC2-related conditions. Invitae Evidence Modeling of protein sequence and biophysical properties (such as structural, functional, and spatial information, amino acid conservation, physicochemical variation, residue mobility, and thermodynamic stability) has been performed for this missense variant. However, the output from this modeling did not meet the statistical confidence thresholds required to predict the impact of this variant on SH3TC2 protein function. In summary, the available evidence is currently insufficient to determine the role of this variant in disease. Therefore, it has been classified as a Variant of Uncertain Significance.